The following is an entry in ClinVar:

ClinVar aggregate classification (germline): Conflicting classifications of pathogenicity. Review status: criteria provided, conflicting classifications (1 of 4 stars). 4 submissions from 4 submitters: Uncertain significance (1); Likely benign (2). 1 of the submissions does not count toward it. Last evaluated 2025-05-01.

Conditions:
COL18A1-related disorder. Also called: COL18A1-related disorders; COL18A1-related condition.

Allele frequency attached by ClinVar (database versions not stated): TOPMed 0.00006; gnomAD 0.00009; gnomAD exomes 0.00014; ExAC 0.00015; 1000 Genomes Project 30x 0.00016; 1000 Genomes Project 0.00020.
gnomAD v4.1: 128 of 1,606,380 alleles (0.008%); highest among the groups gnomAD compares: East Asian, 0.18%; 1 homozygote.

Submissions (4):

CeGaT Center for Human Genetics Tuebingen
Classification: Likely benign. Last evaluated: 2025-05-01. Review status: criteria provided, single submitter. Criteria: CeGaT Center For Human Genetics Tuebingen Variant Classification Criteria Version 2. Collection method: clinical testing. Allele origin: germline. Affected: yes. Observed: 4 variant alleles.
Comment: COL18A1: BP4, BP7

Labcorp Genetics (formerly Invitae), Labcorp
Classification: Uncertain significance. Last evaluated: 2024-12-16. Review status: criteria provided, single submitter. Criteria: Invitae Variant Classification Sherloc (09022015). Collection method: clinical testing. Allele origin: germline.
Comment: This sequence change affects codon 738 of the COL18A1 mRNA. It is a 'silent' change, meaning that it does not change the encoded amino acid sequence of the COL18A1 protein. It affects a nucleotide within the consensus splice site. This variant is present in population databases (rs199910738, gnomAD 0.2%). This variant has not been reported in the literature in individuals affected with COL18A1-related conditions. ClinVar contains an entry for this variant (Variation ID: 623971). Algorithms developed to predict the effect of sequence changes on RNA splicing suggest that this variant is not likely to affect RNA splicing. In summary, the available evidence is currently insufficient to determine the role of this variant in disease. Therefore, it has been classified as a Variant of Uncertain Significance.

Blueprint Genetics
Classification: Likely benign. Last evaluated: 2024-05-08. Review status: criteria provided, single submitter. Criteria: ACMG Guidelines, 2015. Collection method: clinical testing. Allele origin: germline.

PreventionGenetics, part of Exact Sciences
Classification: Likely benign for COL18A1-related condition. Last evaluated: 2024-09-25. Review status: no assertion criteria provided. Collection method: clinical testing. Allele origin: germline. Not counted in ClinVar's aggregate classification.
Comment: This variant is classified as likely benign based on ACMG/AMP sequence variant interpretation guidelines (Richards et al. 2015 PMID: 25741868, with internal and published modifications).

NM_001379500.1(COL18A1):c.2214C>T (p.Pro738=)

Gene: COL18A1 (collagen type XVIII alpha 1 chain; plus strand). Cytogenetic location: 21q22.3.
Variant type: single nucleotide variant.
Coding change: c.2214C>T on transcript NM_001379500.1 (MANE Select); coding-DNA position 2214, C replaced by T.
Protein change: p.Pro738=; no amino-acid change (proline 738 retained).
Molecular consequence: synonymous variant.
Genome position (GRCh38, 1-based): chr21:45,492,713, C>T. VCF-style: chr21-45492713-C-T. GRCh37 (hg19) VCF-style: chr21-46912627-C-T.
Other names: c.2754C>T (NM_030582.3); c.2754C>T, p.Pro918= (NM_030582.4); c.3459C>T, p.Pro1153= (NM_130444.3).
Identifiers: ClinVar variation 623971 (VCV000623971.48), dbSNP rs199910738, ClinGen allele CA10066920.